The following is an entry in ClinVar:

ClinVar aggregate classification (germline): Uncertain significance (1 of 4 stars; one submission).

Conditions:
Brugada syndrome. Also called: Sudden unexpected nocturnal death syndrome; Sudden unexplained nocturnal death syndrome; Sudden Unexplained Death Syndrome; Sudden Unexplained Nocturnal Death Syndrome (SUNDS). Identifiers: Orphanet 130, MedGen C1142166, MONDO:0015263.

gnomAD v4.1: 6 of 1,592,576 alleles (0.00038%); highest among the groups gnomAD compares: South Asian, 0.0011%; no homozygotes.

Submission:

Labcorp Genetics (formerly Invitae), Labcorp
Classification: Uncertain significance for Brugada syndrome. Last evaluated: 2025-12-15. Review status: criteria provided, single submitter. Criteria: Invitae Variant Classification Sherloc (09022015). Collection method: clinical testing. Allele origin: germline.
Comment: This sequence change replaces methionine, which is neutral and non-polar, with isoleucine, which is neutral and non-polar, at codon 874 of the SCN10A protein (p.Met874Ile). This variant is not present in population databases (gnomAD no frequency). This variant has not been reported in the literature in individuals affected with SCN10A-related conditions. Invitae Evidence Modeling of protein sequence and biophysical properties (such as structural, functional, and spatial information, amino acid conservation, physicochemical variation, residue mobility, and thermodynamic stability) indicates that this missense variant is expected to disrupt SCN10A protein function with a positive predictive value of 80%. In summary, the available evidence is currently insufficient to determine the role of this variant in disease. Therefore, it has been classified as a Variant of Uncertain Significance.

NM_006514.4(SCN10A):c.2622G>A (p.Met874Ile)

Gene: SCN10A (sodium voltage-gated channel alpha subunit 10; minus strand). Cytogenetic location: 3p22.2.
Variant type: single nucleotide variant.
Coding change: c.2622G>A on transcript NM_006514.4 (MANE Select); coding-DNA position 2622, G replaced by A.
Protein change: p.Met874Ile; replaces methionine 874 with isoleucine.
Molecular consequence: missense variant.
Genome position (GRCh38, 1-based): chr3:38,728,560, C>T on the plus strand (G>A on the coding strand, the complement: SCN10A is on the minus strand). VCF-style: chr3-38728560-C-T. GRCh37 (hg19) VCF-style: chr3-38770051-C-T.
Other names: c.2622G>A, p.Met874Ile (NM_001293306.2); c.2328G>A, p.Met776Ile (NM_001293307.2); short protein forms M776I, M874I.
Identifiers: ClinVar variation 4801178 (VCV004801178.1).
Genomic context (GRCh38, chr3:38,728,560, plus strand): 5'-TTTCCCCAGGAGACAGTGCCCCCAGCAGGGTTCACCACTCACCACCAGGTTCCCTAGCAC[C>T]ATCACCGTCAAGAAAAGGATGAGGCATATGGATTTTTGGCCAACTTCCATGCAGGCCCAC-3'
Protein context (NP_006505.4, residues 864-884): SICLILFLTV[Met874Ile]VLGNLVVLNL